The following is an entry in ClinVar:

NM_000530.8(MPZ):c.77C>T (p.Pro26Leu)

Gene: MPZ (myelin protein zero; minus strand). Cytogenetic location: 1q23.3.
Variant type: single nucleotide variant.
Coding change: c.77C>T on transcript NM_000530.8 (MANE Select); coding-DNA position 77, C replaced by T.
Protein change: p.Pro26Leu; replaces proline 26 with leucine.
Molecular consequence: missense variant.
Genome position (GRCh38, 1-based): chr1:161,307,415, G>A on the plus strand (C>T on the coding strand, the complement: MPZ is on the minus strand). VCF-style: chr1-161307415-G-A. GRCh37 (hg19) VCF-style: chr1-161277205-G-A.
Other names: c.77C>T (NM_000530.7, LRG_256t1); c.77C>T, p.Pro26Leu (NM_001315491.2); short protein forms P26L.
Identifiers: ClinVar variation 293314 (VCV000293314.18), dbSNP rs530923760, ClinGen allele CA1210236.
Genomic context (GRCh38, chr1:161,307,415, plus strand): 5'-ACCCGGGAGCCCACAGCACCATGGACCTCCCTGTCGGTGTAAACCACGATGGCCTGGGCC[G>A]GGGACAGCACTGCAAGCACAAAGTGGGGAATCAGATGCACCTATGGGCCCAGTAAGGGAT-3'
Protein context (NP_000521.2, residues 16-36): VLLFSSLVLS[Pro26Leu]AQAIVVYTDR

ClinVar aggregate classification (germline): Conflicting classifications of pathogenicity. Review status: criteria provided, conflicting classifications (1 of 4 stars). 7 submissions from 4 submitters: Uncertain significance (2); Benign (2); Likely benign (3). Last evaluated 2025-09-15.

Conditions:
MPZ-related disorder. Also called: MPZ-related condition; MPZ-related disorders.
Charcot-Marie-Tooth disease. Also called: Charcot-Marie-Tooth Hereditary Neuropathy; Charcot-Marie-Tooth Neuropathy. Identifiers: Orphanet 166, MedGen C0007959, MONDO:0015626.
Charcot-Marie-Tooth disease dominant intermediate D. Also called: CHARCOT-MARIE-TOOTH NEUROPATHY, DOMINANT INTERMEDIATE D; Charcot-Marie-Tooth disease dominant intermediate 3; CMT DI3. Identifiers: Orphanet 100046, MedGen C1843075, MONDO:0011909, OMIM 607791.
Neuropathy, congenital hypomyelinating, 2. Identifiers: MedGen C4722277, MONDO:0020765, OMIM 618184.
Charcot-Marie-Tooth disease type 1B. Also called: CHARCOT-MARIE-TOOTH DISEASE, AUTOSOMAL DOMINANT, WITH FOCALLY FOLDED MYELIN SHEATHS, TYPE 1B; CHARCOT-MARIE-TOOTH DISEASE, SLOW NERVE CONDUCTION TYPE, LINKED TO DUFFY; CHARCOT-MARIE-TOOTH NEUROPATHY, TYPE 1B; PERONEAL MUSCULAR ATROPHY; HEREDITARY MOTOR AND SENSORY NEUROPATHY I; HEREDITARY MOTOR AND SENSORY NEUROPATHY IB. Identifiers: Orphanet 101082, MedGen C0270912, MONDO:0007307, OMIM 118200.
Charcot-Marie-Tooth disease, type I (CMT1). Also called: Charcot-Marie-Tooth, Type 1; Charcot-Marie-Tooth disease type 1. Identifiers: Orphanet 65753, MedGen C0751036, MONDO:0019011.
Roussy-Lévy syndrome. Also called: Roussy-Levy Syndrome; Roussy Levy hereditary areflexic dystasia; Roussy-Levy disease; Hereditary areflexic dystasia. Identifiers: Orphanet 3115, MedGen C0205713, MONDO:0008392, OMIM 180800.

Allele frequency attached by ClinVar (database versions not stated): gnomAD exomes 0.00002 and 0.00008; gnomAD 0.00003 and 0.00004; TOPMed 0.00003; ExAC 0.00007; 1000 Genomes Project 30x 0.00016; 1000 Genomes Project 0.00020.
gnomAD v4.1: 48 of 1,614,136 alleles (0.003%); highest among the groups gnomAD compares: East Asian, 0.038%; no homozygotes.

Submissions (7):

Labcorp Genetics (formerly Invitae), Labcorp
Classification: Likely benign for Charcot-Marie-Tooth disease, type I. Last evaluated: 2025-09-15. Review status: criteria provided, single submitter. Criteria: Invitae Variant Classification Sherloc (09022015). Collection method: clinical testing. Allele origin: germline.

PreventionGenetics, part of Exact Sciences
Classification: Likely benign for MPZ-related condition. Last evaluated: 2025-08-04. Review status: criteria provided, single submitter. Criteria: ACMG Guidelines, 2015. Collection method: clinical testing. Allele origin: germline.
Comment: This variant is classified as likely benign based on ACMG/AMP sequence variant interpretation guidelines (Richards et al. 2015 PMID: 25741868, with internal and published modifications).

Illumina Laboratory Services, Illumina
Classification: Uncertain significance for Neuropathy, congenital hypomyelinating, 2. Last evaluated: 2018-01-13. Review status: criteria provided, single submitter. Criteria: ICSL Variant Classification Criteria 13 December 2019. Collection method: clinical testing. Allele origin: germline.

Illumina Laboratory Services, Illumina
Classification: Benign for Charcot-Marie-Tooth disease dominant intermediate D. Last evaluated: 2018-01-13. Review status: criteria provided, single submitter. Criteria: ICSL Variant Classification Criteria 13 December 2019. Collection method: clinical testing. Allele origin: germline.
Comment: This variant was observed in the ICSL laboratory as part of a predisposition screen in an ostensibly healthy population. It had not been previously curated by ICSL or reported in the Human Gene Mutation Database (HGMD: prior to June 1st, 2018), and was therefore a candidate for classification through an automated scoring system. Utilizing variant allele frequency, disease prevalence and penetrance estimates, and inheritance mode, an automated score was calculated to assess if this variant is too frequent to cause the disease. Based on the score and internal cut-off values, a variant classified as benign is not then subjected to further curation. The score for this variant resulted in a classification of benign for this disease.

Illumina Laboratory Services, Illumina
Classification: Likely benign for Charcot-Marie-Tooth disease type 1B. Last evaluated: 2018-01-13. Review status: criteria provided, single submitter. Criteria: ICSL Variant Classification Criteria 13 December 2019. Collection method: clinical testing. Allele origin: germline.
Comment: This variant was observed in the ICSL laboratory as part of a predisposition screen in an ostensibly healthy population. It had not been previously curated by ICSL or reported in the Human Gene Mutation Database (HGMD: prior to June 1st, 2018), and was therefore a candidate for classification through an automated scoring system. Utilizing variant allele frequency, disease prevalence and penetrance estimates, and inheritance mode, an automated score was calculated to assess if this variant is too frequent to cause the disease. Based on the score and internal cut-off values, a variant classified as likely benign is not then subjected to further curation. The score for this variant resulted in a classification of likely benign for this disease.

Illumina Laboratory Services, Illumina
Classification: Benign for Roussy-Lévy syndrome. Last evaluated: 2018-01-13. Review status: criteria provided, single submitter. Criteria: ICSL Variant Classification Criteria 13 December 2019. Collection method: clinical testing. Allele origin: germline.
Comment: the same text as in the submission from Illumina Laboratory Services, Illumina above.

Molecular Genetics Laboratory, London Health Sciences Centre
Classification: Uncertain significance for Charcot-Marie-Tooth disease. Review status: criteria provided, single submitter. Criteria: ACMG Guidelines, 2015. Collection method: clinical testing. Allele origin: germline. Affected: yes.